The following is an entry in ClinVar:

NM_001039141.3(TRIOBP):c.5378A>C (p.Glu1793Ala)

Genes: TRIOBP (TRIO and F-actin binding protein; plus strand), LOC126863144 (CDK7 strongly-dependent group 2 enhancer GRCh37_chr22:38147547-38148746; plus strand). Cytogenetic location: 22q13.1.
Variant type: single nucleotide variant.
Coding change: c.5378A>C on transcript NM_001039141.3 (MANE Select); coding-DNA position 5378, A replaced by C.
Protein change: p.Glu1793Ala; replaces glutamic acid 1793 with alanine.
Molecular consequence: missense variant.
Genome position (GRCh38, 1-based): chr22:37,751,827, A>C. VCF-style: chr22-37751827-A-C. GRCh37 (hg19) VCF-style: chr22-38147834-A-C.
Other names: c.239A>C, p.Glu80Ala (NM_007032.5, NM_138632.2); short protein forms E1793A, E80A.
Identifiers: ClinVar variation 228035 (VCV000228035.22), dbSNP rs147273930, ClinGen allele CA10224655.

ClinVar aggregate classification (germline): Likely benign. Review status: criteria provided, multiple submitters, no conflicts (2 of 4 stars). 6 submissions from 6 submitters: Likely benign (6). Last evaluated 2025-10-24.

Conditions:
TRIOBP-related disorder. Also called: TRIOBP-related condition.

Allele frequency attached by ClinVar (database versions not stated): gnomAD exomes 0.00011 and 0.00031; ExAC 0.00039; gnomAD 0.00123 and 0.00129; TOPMed 0.00146; ESP Exome Variant Server 0.00154; 1000 Genomes Project 0.00160; 1000 Genomes Project 30x 0.00187.
gnomAD v4.1: 356 of 1,599,480 alleles (0.022%); highest among the groups gnomAD compares: African/African-American, 0.43%; 1 homozygote.

Submissions (6):

Labcorp Genetics (formerly Invitae), Labcorp
Classification: Likely benign. Last evaluated: 2025-10-24. Review status: criteria provided, single submitter. Criteria: Invitae Variant Classification Sherloc (09022015). Collection method: clinical testing. Allele origin: germline.

PreventionGenetics, part of Exact Sciences
Classification: Likely benign for TRIOBP-related condition. Last evaluated: 2024-12-19. Review status: criteria provided, single submitter. Criteria: ACMG Guidelines, 2015. Collection method: clinical testing. Allele origin: germline.
Comment: This variant is classified as likely benign based on ACMG/AMP sequence variant interpretation guidelines (Richards et al. 2015 PMID: 25741868, with internal and published modifications).

Blueprint Genetics
Classification: Likely benign. Last evaluated: 2024-06-04. Review status: criteria provided, single submitter. Criteria: ACMG Guidelines, 2015. Collection method: clinical testing. Allele origin: germline.

GeneDx
Classification: Likely benign. Last evaluated: 2020-04-10. Review status: criteria provided, single submitter. Criteria: GeneDx Variant Classification Process June 2021. Collection method: clinical testing. Allele origin: germline. Affected: yes.

Eurofins Ntd Llc (ga)
Classification: Likely benign. Last evaluated: 2018-01-12. Review status: criteria provided, single submitter. Criteria: EGL Classification Definitions 2015. Collection method: clinical testing. Allele origin: germline. Observed: 1 variant allele, 1 heterozygote.

Laboratory for Molecular Medicine, Mass General Brigham Personalized Medicine
Classification: Likely benign. Last evaluated: 2015-05-17. Review status: criteria provided, single submitter. Criteria: LMM Criteria. Collection method: clinical testing. Allele origin: germline. Observed: 1 variant allele.
Comment: p.Glu1793Ala in exon 12 of TRIOBP: This variant is not expected to have clinical significance because it has been identified in 0.4% (45/10334) of African chro mosomes by the Exome Aggregation Consortium (ExAC, g; dbSNP rs147273930).